The following is an entry in ClinVar:

ClinVar aggregate classification (germline): Uncertain significance (1 of 4 stars; one submission).

Allele frequency attached by ClinVar (database versions not stated): TOPMed 0.00001; gnomAD 0.00002.
gnomAD v4.1: 12 of 1,609,496 alleles (0.00075%); highest among the groups gnomAD compares: Admixed American, 0.0033%; no homozygotes.

Submission:

Labcorp Genetics (formerly Invitae), Labcorp
Classification: Uncertain significance. Last evaluated: 2022-10-17. Review status: criteria provided, single submitter. Criteria: Invitae Variant Classification Sherloc (09022015). Collection method: clinical testing. Allele origin: germline.
Comment: In summary, the available evidence is currently insufficient to determine the role of this variant in disease. Therefore, it has been classified as a Variant of Uncertain Significance. This sequence change replaces threonine, which is neutral and polar, with isoleucine, which is neutral and non-polar, at codon 166 of the SLC24A5 protein (p.Thr166Ile). This variant is not present in population databases (gnomAD no frequency). This variant has not been reported in the literature in individuals affected with SLC24A5-related conditions. Advanced modeling of protein sequence and biophysical properties (such as structural, functional, and spatial information, amino acid conservation, physicochemical variation, residue mobility, and thermodynamic stability) performed at Invitae indicates that this missense variant is not expected to disrupt SLC24A5 protein function.

NM_205850.3(SLC24A5):c.497C>T (p.Thr166Ile)

Genes: MYEF2 (myelin expression factor 2; minus strand), SLC24A5 (solute carrier family 24 member 5; plus strand). Cytogenetic location: 15q21.1.
Variant type: single nucleotide variant.
Coding change: c.497C>T on transcript NM_205850.3 (MANE Select); coding-DNA position 497, C replaced by T.
Protein change: p.Thr166Ile; replaces threonine 166 with isoleucine.
Molecular consequence: missense variant. On other transcripts: 3 prime UTR variant (2).
Genome position (GRCh38, 1-based): chr15:48,134,891, C>T. VCF-style: chr15-48134891-C-T. GRCh37 (hg19) VCF-style: chr15-48427088-C-T.
Other names: c.*8017G>A (NM_001301210.2, NM_016132.5); short protein forms T166I.
Identifiers: ClinVar variation 1975559 (VCV001975559.5), dbSNP rs759318202, ClinGen allele CA269989493.
Genomic context (GRCh38, chr15:48,134,891, plus strand): 5'-TTGTACTTGAAGAAGTTACAATGTAATGGAAATAATAACTTACCATATTACAGGTCTCAA[C>T]ACTATCATGTTGGCCCCTATTCAGAGACTGTGCAGCGTACACAATTAGTGCAGCAGCAGT-3'
Protein context (NP_995322.1, residues 156-176): ACGLLSNTVS[Thr166Ile]LSCWPLFRDC